The following is an entry in ClinVar:

NM_000271.5(NPC1):c.1947+13G>T

Gene: NPC1 (NPC intracellular cholesterol transporter 1; minus strand). Cytogenetic location: 18q11.2.
Variant type: single nucleotide variant.
Coding change: c.1947+13G>T on transcript NM_000271.5 (MANE Select); 13 bases into the intron after coding-DNA position 1947, G replaced by T.
Molecular consequence: intron variant.
Genome position (GRCh38, 1-based): chr18:23,544,947, C>A on the plus strand (G>T on the coding strand, the complement: NPC1 is on the minus strand). VCF-style: chr18-23544947-C-A. GRCh37 (hg19) VCF-style: chr18-21124911-C-A.
Identifiers: ClinVar variation 326268 (VCV000326268.29), dbSNP rs568769965, ClinGen allele CA8913306.

ClinVar aggregate classification (germline): Conflicting classifications of pathogenicity. Review status: criteria provided, conflicting classifications (1 of 4 stars). 5 submissions from 5 submitters: Uncertain significance (1); Likely benign (3). 1 of the submissions does not count toward it. Last evaluated 2026-01-27.

Conditions:
NPC1-related disorder. Also called: NPC1-related condition.
Niemann-Pick disease, type C1. Also called: NEUROVISCERAL STORAGE DISEASE WITH VERTICAL SUPRANUCLEAR OPHTHALMOPLEGIA; NIEMANN-PICK DISEASE WITH CHOLESTEROL ESTERIFICATION BLOCK; NIEMANN-PICK DISEASE WITHOUT SPHINGOMYELINASE DEFICIENCY; NIEMANN-PICK DISEASE, CHRONIC NEURONOPATHIC FORM; NIEMANN-PICK DISEASE, VARIANT TYPE C1. Identifiers: Orphanet 646, MedGen C3179455, MONDO:0009757, OMIM 257220.

gnomAD v4.1: 643 of 1,359,482 alleles (0.047%); highest among the groups gnomAD compares: Non-Finnish European, 0.062%; 46 homozygotes.

Submissions (5):

Labcorp Genetics (formerly Invitae), Labcorp
Classification: Likely benign for Niemann-Pick disease, type C1. Last evaluated: 2026-01-27. Review status: criteria provided, single submitter. Criteria: Invitae Variant Classification Sherloc (09022015). Collection method: clinical testing. Allele origin: germline.

Blueprint Genetics
Classification: Likely benign. Last evaluated: 2024-09-05. Review status: criteria provided, single submitter. Criteria: ACMG Guidelines, 2015. Collection method: clinical testing. Allele origin: germline.

CeGaT Center for Human Genetics Tuebingen
Classification: Likely benign. Last evaluated: 2024-06-01. Review status: criteria provided, single submitter. Criteria: CeGaT Center For Human Genetics Tuebingen Variant Classification Criteria Version 2. Collection method: clinical testing. Allele origin: germline. Affected: yes. Observed: 1 variant allele.
Comment: NPC1: BS2

Illumina Laboratory Services, Illumina
Classification: Uncertain significance for Niemann-Pick disease type C1. Last evaluated: 2018-01-13. Review status: criteria provided, single submitter. Criteria: ICSL Variant Classification Criteria 13 December 2019. Collection method: clinical testing. Allele origin: germline.

PreventionGenetics, part of Exact Sciences
Classification: Likely benign for NPC1-related condition. Last evaluated: 2024-07-18. Review status: no assertion criteria provided. Collection method: clinical testing. Allele origin: germline. Not counted in ClinVar's aggregate classification.
Comment: This variant is classified as likely benign based on ACMG/AMP sequence variant interpretation guidelines (Richards et al. 2015 PMID: 25741868, with internal and published modifications).